The following is an entry in ClinVar:

ClinVar aggregate classification (germline): Uncertain significance. Review status: criteria provided, multiple submitters, no conflicts (2 of 4 stars). 2 submissions from 2 submitters: Uncertain significance (2). Last evaluated 2025-03-25.

Conditions:
Cardiomyopathy (CMYO). Also called: Cardiomyopathies. Identifiers: Orphanet 167848, MedGen C0878544, MONDO:0004994, HP:0001638. Inheritance: Various modes of inheritance.
Cardiovascular phenotype. Identifiers: MedGen CN230736.

Allele frequency attached by ClinVar (database versions not stated): ExAC 0.00001.

Submissions (2):

Ambry Genetics
Classification: Uncertain significance for Cardiovascular phenotype. Last evaluated: 2025-03-25. Review status: criteria provided, single submitter. Criteria: Ambry Variant Classification Scheme 2023. Collection method: clinical testing. Allele origin: germline.
Comment: The p.S228G variant (also known as c.682A>G), located in coding exon 8 of the TMEM43 gene, results from an A to G substitution at nucleotide position 682. The serine at codon 228 is replaced by glycine, an amino acid with similar properties. This amino acid position is conserved. In addition, this alteration is predicted to be tolerated by in silico analysis. Based on the available evidence, the clinical significance of this variant remains unclear.

Color Diagnostics, LLC DBA Color Health
Classification: Uncertain significance for Cardiomyopathy. Last evaluated: 2023-04-17. Review status: criteria provided, single submitter. Criteria: ACMG Guidelines, 2015. Collection method: clinical testing. Allele origin: germline.
Comment: This missense variant replaces serine with glycine at codon 228 of the TMEM43 protein. Computational prediction suggests that this variant may not impact protein structure and function (internally defined REVEL score threshold <= 0.5, PMID: 27666373). To our knowledge, functional studies have not been reported for this variant. This variant has not been reported in individuals affected with TMEM43-related disorders in the literature. This variant has not been identified in the general population by the Genome Aggregation Database (gnomAD). The available evidence is insufficient to determine the role of this variant in disease conclusively. Therefore, this variant is classified as a Variant of Uncertain Significance.

NM_024334.3(TMEM43):c.682A>G (p.Ser228Gly)

Gene: TMEM43 (transmembrane protein 43; plus strand). Cytogenetic location: 3p25.1.
Variant type: single nucleotide variant.
Coding change: c.682A>G on transcript NM_024334.3 (MANE Select); coding-DNA position 682, A replaced by G.
Protein change: p.Ser228Gly; replaces serine 228 with glycine.
Molecular consequence: missense variant.
Genome position (GRCh38, 1-based): chr3:14,134,868, A>G. VCF-style: chr3-14134868-A-G. GRCh37 (hg19) VCF-style: chr3-14176368-A-G.
Other names: c.685A>G, p.Ser229Gly (NM_001407274.1); c.682A>G, p.Ser228Gly (NM_001407275.1, NM_001407276.1, NM_001407277.1 and 1 more transcripts); c.667A>G, p.Ser223Gly (NM_001407278.1); c.532A>G, p.Ser178Gly (NM_001407280.1); short protein forms S229G, S178G, S223G, S228G.
Identifiers: ClinVar variation 2774602 (VCV002774602.3), dbSNP rs776147178, ClinGen allele CA054843.